The following is an entry in ClinVar:

ClinVar aggregate classification (germline): Uncertain significance. Review status: criteria provided, multiple submitters, no conflicts (2 of 4 stars). 2 submissions from 2 submitters: Uncertain significance (2). Last evaluated 2025-10-05.

Allele frequency attached by ClinVar (database versions not stated): gnomAD exomes below 0.00001; ExAC 0.00001; gnomAD 0.00001; TOPMed 0.00001.

Submissions (2):

Ambry Genetics
Classification: Uncertain significance. Last evaluated: 2025-10-05. Review status: criteria provided, single submitter. Criteria: Ambry Variant Classification Scheme 2023. Collection method: clinical testing. Allele origin: germline.
Comment: The p.R285Q variant (also known as c.854G>A), located in coding exon 9 of the FAM175A gene, results from a G to A substitution at nucleotide position 854. The arginine at codon 285 is replaced by glutamine, an amino acid with highly similar properties. This amino acid position is conserved. In addition, this alteration is predicted to be tolerated by in silico analysis. Since supporting evidence is limited at this time, the clinical significance of this alteration remains unclear.

Labcorp Genetics (formerly Invitae), Labcorp
Classification: Uncertain significance. Last evaluated: 2022-03-12. Review status: criteria provided, single submitter. Criteria: Invitae Variant Classification Sherloc (09022015). Collection method: clinical testing. Allele origin: germline.
Comment: This sequence change replaces arginine, which is basic and polar, with glutamine, which is neutral and polar, at codon 285 of the ABRAXAS1 protein (p.Arg285Gln). This variant is present in population databases (rs780076912, gnomAD 0.005%). This variant has not been reported in the literature in individuals affected with ABRAXAS1-related conditions. Algorithms developed to predict the effect of missense changes on protein structure and function output the following: SIFT: "Deleterious"; PolyPhen-2: "Benign"; Align-GVGD: "Class C0". The glutamine amino acid residue is found in multiple mammalian species, which suggests that this missense change does not adversely affect protein function. In summary, the available evidence is currently insufficient to determine the role of this variant in disease. Therefore, it has been classified as a Variant of Uncertain Significance.

NM_139076.3(ABRAXAS1):c.854G>A (p.Arg285Gln)

Gene: ABRAXAS1 (abraxas 1, BRCA1 A complex subunit; minus strand). Cytogenetic location: 4q21.23.
Variant type: single nucleotide variant.
Coding change: c.854G>A on transcript NM_139076.3 (MANE Select); coding-DNA position 854, G replaced by A.
Protein change: p.Arg285Gln; replaces arginine 285 with glutamine.
Molecular consequence: missense variant.
Genome position (GRCh38, 1-based): chr4:83,462,845, C>T on the plus strand (G>A on the coding strand, the complement: ABRAXAS1 is on the minus strand). VCF-style: chr4-83462845-C-T. GRCh37 (hg19) VCF-style: chr4-84383998-C-T.
Other names: c.527G>A, p.Arg176Gln (NM_001345962.2); short protein forms R176Q, R285Q.
Identifiers: ClinVar variation 1471613 (VCV001471613.11), dbSNP rs780076912, ClinGen allele CA2990421.